The following is an entry in ClinVar:

ClinVar aggregate classification (germline): Benign/Likely benign. Review status: criteria provided, multiple submitters, no conflicts (2 of 4 stars). 4 submissions from 4 submitters: Benign (1); Likely benign (3). Last evaluated 2026-01-06.

Conditions:
Hereditary cancer-predisposing syndrome. Also called: Hereditary Cancer Syndrome; Neoplastic Syndromes, Hereditary; Hereditary neoplastic syndrome; Tumor predisposition. Identifiers: Orphanet 140162, MedGen C0027672, MeSH D009386, MONDO:0015356.
Tuberous sclerosis 1 (TSC1). Identifiers: Orphanet 805, MedGen C1854465, MONDO:0008612, OMIM 191100.

Submissions (4):

Labcorp Genetics (formerly Invitae), Labcorp
Classification: Likely benign for Tuberous sclerosis 1. Last evaluated: 2026-01-06. Review status: criteria provided, single submitter. Criteria: Invitae Variant Classification Sherloc (09022015). Collection method: clinical testing. Allele origin: germline.

Myriad Genetics, Inc.
Classification: Benign for Tuberous sclerosis 1. Last evaluated: 2025-04-09. Review status: criteria provided, single submitter. Criteria: Myriad Autosomal Dominant, Autosomal Recessive and X-Linked Classification Criteria (2023). Collection method: clinical testing. Allele origin: unknown.
Comment: This variant is considered benign. This variant is a silent/synonymous amino acid change and it is not expected to impact splicing.

Ambry Genetics
Classification: Likely benign for Hereditary cancer-predisposing syndrome. Last evaluated: 2023-05-12. Review status: criteria provided, single submitter. Criteria: Ambry Variant Classification Scheme 2023. Collection method: clinical testing. Allele origin: germline.

Sema4
Classification: Likely benign for Hereditary cancer-predisposing syndrome. Last evaluated: 2021-11-17. Review status: criteria provided, single submitter. Criteria: Sema4 Curation Guidelines. Collection method: curation. Allele origin: germline.

NM_000368.5(TSC1):c.1518C>T (p.Pro506=)

Gene: TSC1 (TSC complex subunit 1; minus strand). Cytogenetic location: 9q34.13.
Variant type: single nucleotide variant.
Coding change: c.1518C>T on transcript NM_000368.5 (MANE Select); coding-DNA position 1518, C replaced by T.
Protein change: p.Pro506=; no amino-acid change (proline 506 retained).
Molecular consequence: synonymous variant.
Genome position (GRCh38, 1-based): chr9:132,906,060, G>A on the plus strand (C>T on the coding strand, the complement: TSC1 is on the minus strand). VCF-style: chr9-132906060-G-A. GRCh37 (hg19) VCF-style: chr9-135781447-G-A.
Other names: c.1515C>T, p.Pro505= (NM_001162426.2); c.1365C>T, p.Pro455= (NM_001162427.2); c.1155C>T, p.Pro385= (NM_001362177.2).
Identifiers: ClinVar variation 1651978 (VCV001651978.12), dbSNP rs1588310935, ClinGen allele CA467591168.